The following is an entry in ClinVar:

NM_001101362.3(KBTBD13):c.844G>A (p.Ala282Thr)

Gene: KBTBD13 (kelch repeat and BTB domain containing 13; plus strand). Cytogenetic location: 15q22.31.
Variant type: single nucleotide variant.
Coding change: c.844G>A on transcript NM_001101362.3 (MANE Select); coding-DNA position 844, G replaced by A.
Protein change: p.Ala282Thr; replaces alanine 282 with threonine.
Molecular consequence: missense variant.
Genome position (GRCh38, 1-based): chr15:65,077,659, G>A. VCF-style: chr15-65077659-G-A. GRCh37 (hg19) VCF-style: chr15-65369997-G-A.
Other names: short protein forms A282T.
Identifiers: ClinVar variation 316747 (VCV000316747.17), dbSNP rs375482474, ClinGen allele CA7613996.

ClinVar aggregate classification (germline): Benign. Review status: criteria provided, multiple submitters, no conflicts (2 of 4 stars). 3 submissions from 3 submitters: Benign (2). 1 of the submissions does not count toward it. Last evaluated 2025-05-05.

Conditions:
KBTBD13-related disorder. Also called: KBTBD13-related condition.
Nemaline myopathy 6 (NEM6). Also called: Nemaline myopathy 6, autosomal dominant. Identifiers: Orphanet 171439, MedGen C1836472, MONDO:0012237, OMIM 609273.

Allele frequency attached by ClinVar (database versions not stated): gnomAD 0.00001 and 0.00017; TOPMed 0.00002; ESP Exome Variant Server 0.00009; gnomAD exomes 0.00042 and 0.00091; 1000 Genomes Project 30x 0.00062; 1000 Genomes Project 0.00080; ExAC 0.00159.
gnomAD v4.1: 605 of 1,587,548 alleles (0.038%); highest among the groups gnomAD compares: South Asian, 0.67%; 8 homozygotes.

Submissions (3):

Labcorp Genetics (formerly Invitae), Labcorp
Classification: Benign for Nemaline myopathy 6. Last evaluated: 2025-05-05. Review status: criteria provided, single submitter. Criteria: Invitae Variant Classification Sherloc (09022015). Collection method: clinical testing. Allele origin: germline.

Illumina Laboratory Services, Illumina
Classification: Benign for Nemaline myopathy 6. Last evaluated: 2018-01-12. Review status: criteria provided, single submitter. Criteria: ICSL Variant Classification Criteria 13 December 2019. Collection method: clinical testing. Allele origin: germline.
Comment: This variant was observed in the ICSL laboratory as part of a predisposition screen in an ostensibly healthy population. It had not been previously curated by ICSL or reported in the Human Gene Mutation Database (HGMD: prior to June 1st, 2018), and was therefore a candidate for classification through an automated scoring system. Utilizing variant allele frequency, disease prevalence and penetrance estimates, and inheritance mode, an automated score was calculated to assess if this variant is too frequent to cause the disease. Based on the score and internal cut-off values, a variant classified as benign is not then subjected to further curation. The score for this variant resulted in a classification of benign for this disease.

PreventionGenetics, part of Exact Sciences
Classification: Benign for KBTBD13-related condition. Last evaluated: 2019-07-02. Review status: no assertion criteria provided. Collection method: clinical testing. Allele origin: germline. Not counted in ClinVar's aggregate classification.
Comment: This variant is classified as benign based on ACMG/AMP sequence variant interpretation guidelines (Richards et al. 2015 PMID: 25741868, with internal and published modifications).